The following is an entry in ClinVar:

ClinVar aggregate classification (germline): Uncertain significance (1 of 4 stars; one submission).

Allele frequency attached by ClinVar (database versions not stated): gnomAD exomes below 0.00001; gnomAD 0.00001; TOPMed 0.00001.
gnomAD v4.1: 3 of 1,551,168 alleles (0.00019%); highest among the groups gnomAD compares: African/African-American, 0.0041%; no homozygotes.

Submission:

Labcorp Genetics (formerly Invitae), Labcorp
Classification: Uncertain significance. Last evaluated: 2023-12-22. Review status: criteria provided, single submitter. Criteria: Invitae Variant Classification Sherloc (09022015). Collection method: clinical testing. Allele origin: germline.
Comment: This sequence change replaces threonine, which is neutral and polar, with isoleucine, which is neutral and non-polar, at codon 3982 of the ADGRV1 protein (p.Thr3982Ile). This variant is not present in population databases (gnomAD no frequency). This variant has not been reported in the literature in individuals affected with ADGRV1-related conditions. Advanced modeling of protein sequence and biophysical properties (such as structural, functional, and spatial information, amino acid conservation, physicochemical variation, residue mobility, and thermodynamic stability) performed at Invitae indicates that this missense variant is not expected to disrupt ADGRV1 protein function with a negative predictive value of 95%. In summary, the available evidence is currently insufficient to determine the role of this variant in disease. Therefore, it has been classified as a Variant of Uncertain Significance.

NM_032119.4(ADGRV1):c.11945C>T (p.Thr3982Ile)

Gene: ADGRV1 (adhesion G protein-coupled receptor V1; plus strand). Cytogenetic location: 5q14.3.
Variant type: single nucleotide variant.
Coding change: c.11945C>T on transcript NM_032119.4 (MANE Select); coding-DNA position 11945, C replaced by T.
Protein change: p.Thr3982Ile; replaces threonine 3982 with isoleucine.
Molecular consequence: missense variant. On other transcripts: non-coding transcript variant (1).
Genome position (GRCh38, 1-based): chr5:90,759,413, C>T. VCF-style: chr5-90759413-C-T. GRCh37 (hg19) VCF-style: chr5-90055230-C-T.
Other names: short protein forms T3982I.
Identifiers: ClinVar variation 1402584 (VCV001402584.8), dbSNP rs1454181893, ClinGen allele CA360373164.
Genomic context (GRCh38, chr5:90,759,413, plus strand): 5'-TATCTTCCTCCTTCTTTTCCTCCCTCTCTTTCTCCCTTCCTTCCTTTCTTTCATAGGTTA[C>T]TGCAATGATAGAAATCACCATAATTGATGATGCTGAATTTGAATTGACAGAGACGTTCAA-3'
Protein context (NP_115495.3, residues 3972-3992): GILEFADKQV[Thr3982Ile]AMIEITIIDD